The following is an entry in ClinVar:

ClinVar aggregate classification (germline): Benign/Likely benign. Review status: criteria provided, multiple submitters, no conflicts (2 of 4 stars). 3 submissions from 3 submitters: Benign (1); Likely benign (2). Last evaluated 2026-04-24.

Conditions:
Colorectal cancer, susceptibility to, 1. Also called: COLORECTAL ADENOMA AND CANCER, SUSCEPTIBILITY TO; COLORECTAL CANCER, SUSCEPTIBILITY TO, ON CHROMOSOME 9. Identifiers: MedGen C1837315, MONDO:0012132, OMIM 608812.

Allele frequency attached by ClinVar (database versions not stated): ExAC 0.00002; gnomAD exomes 0.00001.
gnomAD v4.1: 4 of 1,614,172 alleles (0.00025%); highest among the groups gnomAD compares: East Asian, 0.0045%; no homozygotes.

Submissions (3):

Myriad Genetics, Inc.
Classification: Benign for Colorectal cancer, susceptibility to, 1. Last evaluated: 2026-04-24. Review status: criteria provided, single submitter. Criteria: Myriad Autosomal Dominant, Autosomal Recessive and X-Linked Classification Criteria (2023). Collection method: clinical testing. Allele origin: unknown.
Comment: This variant is considered benign. This variant is a silent/synonymous amino acid change and it is not expected to impact splicing.

Labcorp Genetics (formerly Invitae), Labcorp
Classification: Likely benign. Last evaluated: 2025-12-11. Review status: criteria provided, single submitter. Criteria: Invitae Variant Classification Sherloc (09022015). Collection method: clinical testing. Allele origin: germline.

Ambry Genetics
Classification: Likely benign. Last evaluated: 2021-01-20. Review status: criteria provided, single submitter. Criteria: Ambry Variant Classification Scheme 2023. Collection method: clinical testing. Allele origin: germline.

NM_024642.5(GALNT12):c.846G>A (p.Arg282=)

Gene: GALNT12 (polypeptide N-acetylgalactosaminyltransferase 12; plus strand). Cytogenetic location: 9q22.33.
Variant type: single nucleotide variant.
Coding change: c.846G>A on transcript NM_024642.5 (MANE Select); coding-DNA position 846, G replaced by A.
Protein change: p.Arg282=; no amino-acid change (arginine 282 retained).
Molecular consequence: synonymous variant.
Genome position (GRCh38, 1-based): chr9:98,831,886, G>A. VCF-style: chr9-98831886-G-A. GRCh37 (hg19) VCF-style: chr9-101594168-G-A.
Identifiers: ClinVar variation 1763497 (VCV001763497.4), dbSNP rs775925966, ClinGen allele CA5154078.
Genomic context (GRCh38, chr9:98,831,886, plus strand): 5'-GAACACCTTCGAATACCTGGGGAACTCCGGGGAGCCCCAGATCGGCGGTTTCGACTGGAG[G>A]CTGGTGTTCACGTGGCACACAGTTCCTGAGAGGGAGAGGATACGGATGCAATCCCCCGTC-3'
Protein context (NP_078918.3, residues 272-292): GEPQIGGFDW[Arg282=]LVFTWHTVPE